The following is an entry in ClinVar:

ClinVar aggregate classification (germline): Uncertain significance. Review status: criteria provided, multiple submitters, no conflicts (2 of 4 stars). 2 submissions from 2 submitters: Uncertain significance (2). Last evaluated 2025-12-15.

Allele frequency attached by ClinVar (database versions not stated): gnomAD exomes 0.00012 and 0.00013; gnomAD 0.00015 and 0.00016; TOPMed 0.00015; ExAC 0.00020; ESP Exome Variant Server 0.00033.
gnomAD v4.1: 189 of 1,613,246 alleles (0.012%); highest among the groups gnomAD compares: Non-Finnish European, 0.015%; no homozygotes.

Submissions (3):

Labcorp Genetics (formerly Invitae), Labcorp
Classification: Uncertain significance. Last evaluated: 2025-12-15. Review status: criteria provided, single submitter. Criteria: Invitae Variant Classification Sherloc (09022015). Collection method: clinical testing. Allele origin: germline.
Comment: This sequence change falls in intron 13 of the NPAT gene. It does not directly change the encoded amino acid sequence of the NPAT protein. It affects a nucleotide within the consensus splice site. This variant is present in population databases (rs374585786, gnomAD 0.03%). This variant has not been reported in the literature in individuals affected with NPAT-related conditions. ClinVar contains an entry for this variant (Variation ID: 1338707). Variants that disrupt the consensus splice site are a relatively common cause of aberrant splicing (PMID: 17576681, 9536098). Algorithms developed to predict the effect of sequence changes on RNA splicing suggest that this variant is not likely to affect RNA splicing. In summary, the available evidence is currently insufficient to determine the role of this variant in disease. Therefore, it has been classified as a Variant of Uncertain Significance.

Genetic Services Laboratory, University of Chicago
Classification: Uncertain significance. Last evaluated: 2019-01-18. Review status: criteria provided, single submitter. Criteria: ACMG Guidelines, 2015. Collection method: clinical testing. Allele origin: germline. Affected: no.

Dr. Peter K. Rogan Lab, Western University
No classification provided (evidence only). Condition: Thyroid cancer, nonmedullary, 1. Review status: no classification provided. Collection method: in vitro. Allele origin: not applicable. Functional consequence: skipped exon, retained intron. Not counted in ClinVar's aggregate classification.

Literature cited by the submitters: PubMed 17576681 (cited by Labcorp Genetics (formerly Invitae), Labcorp); PubMed 9536098 (cited by Labcorp Genetics (formerly Invitae), Labcorp).

NM_002519.3(NPAT):c.2785+4A>T

Gene: NPAT (nuclear protein, coactivator of histone transcription; minus strand). Cytogenetic location: 11q22.3.
Variant type: single nucleotide variant.
Coding change: c.2785+4A>T on transcript NM_002519.3 (MANE Select); 4 bases into the intron after coding-DNA position 2785, A replaced by T.
Molecular consequence: intron variant.
Genome position (GRCh38, 1-based): chr11:108,172,195, T>A on the plus strand (A>T on the coding strand, the complement: NPAT is on the minus strand). VCF-style: chr11-108172195-T-A. GRCh37 (hg19) VCF-style: chr11-108042922-T-A.
Other names: c.2785+4A>T (NM_001321307.1).
Identifiers: ClinVar variation 1338707 (VCV001338707.9), dbSNP rs374585786, ClinGen allele CA6263764.
Genomic context (GRCh38, chr11:108,172,195, plus strand): 5'-CACATACAAAAGAAATTAGATCCCAACCCAGAGAAACAAATTTCAATTATGTTATTAAAG[T>A]TACCTTGTGAAAAGTTTGGTGACACAGCTTGGTTGACAGCAAATACACTGTTTGACCTTG-3'